The following is an entry in ClinVar:

ClinVar aggregate classification (germline): Uncertain significance. Review status: criteria provided, multiple submitters, no conflicts (2 of 4 stars). 2 submissions from 2 submitters: Uncertain significance (2). Last evaluated 2025-05-20.

Conditions:
Familial acute necrotizing encephalopathy (IIAE3). Also called: ENCEPHALOPATHY, ACUTE, INFECTION-INDUCED, SUSCEPTIBILITY TO, 3; Susceptibility to Acute Necrotizing Encephalopathy 1. Identifiers: Orphanet 88619, MedGen C2675556, MONDO:0011953, OMIM 608033.

Allele frequency attached by ClinVar (database versions not stated): gnomAD exomes 0.00001 and 0.00010; ExAC 0.00002; gnomAD 0.00005 and 0.00006; TOPMed 0.00005.
gnomAD v4.1: 148 of 1,611,488 alleles (0.0092%); highest among the groups gnomAD compares: Non-Finnish European, 0.012%; no homozygotes.

Submissions (2):

Ambry Genetics
Classification: Uncertain significance. Last evaluated: 2025-05-20. Review status: criteria provided, single submitter. Criteria: Ambry Variant Classification Scheme 2023. Collection method: clinical testing. Allele origin: germline.

Labcorp Genetics (formerly Invitae), Labcorp
Classification: Uncertain significance for Familial acute necrotizing encephalopathy. Last evaluated: 2021-08-20. Review status: criteria provided, single submitter. Criteria: Invitae Variant Classification Sherloc (09022015). Collection method: clinical testing. Allele origin: germline.
Comment: This sequence change replaces lysine with arginine at codon 115 of the RANBP2 protein (p.Lys115Arg). The lysine residue is highly conserved and there is a small physicochemical difference between lysine and arginine. This variant is present in population databases (rs745353229, ExAC 0.003%). This variant has not been reported in the literature in individuals affected with RANBP2-related conditions. Algorithms developed to predict the effect of missense changes on protein structure and function are either unavailable or do not agree on the potential impact of this missense change (SIFT: "Deleterious"; PolyPhen-2: "Benign"; Align-GVGD: "Class C25"). In summary, the available evidence is currently insufficient to determine the role of this variant in disease. Therefore, it has been classified as a Variant of Uncertain Significance.

NM_006267.5(RANBP2):c.344A>G (p.Lys115Arg)

Gene: RANBP2 (RAN binding protein 2; plus strand). Cytogenetic location: 2q13.
Variant type: single nucleotide variant.
Coding change: c.344A>G on transcript NM_006267.5 (MANE Select); coding-DNA position 344, A replaced by G.
Protein change: p.Lys115Arg; replaces lysine 115 with arginine.
Molecular consequence: missense variant.
Genome position (GRCh38, 1-based): chr2:108,731,413, A>G. VCF-style: chr2-108731413-A-G. GRCh37 (hg19) VCF-style: chr2-109347869-A-G.
Other names: c.344A>G (NM_006267.4); short protein forms K115R.
Identifiers: ClinVar variation 1020919 (VCV001020919.3), dbSNP rs745353229, ClinGen allele CA1822005.